The following is an entry in ClinVar:

ClinVar aggregate classification (germline): Uncertain significance (1 of 4 stars; one submission).

Submission:

Labcorp Genetics (formerly Invitae), Labcorp
Classification: Uncertain significance. Last evaluated: 2022-05-06. Review status: criteria provided, single submitter. Criteria: Invitae Variant Classification Sherloc (09022015). Collection method: clinical testing. Allele origin: germline.
Comment: In summary, the available evidence is currently insufficient to determine the role of this variant in disease. Therefore, it has been classified as a Variant of Uncertain Significance. Algorithms developed to predict the effect of missense changes on protein structure and function (SIFT, PolyPhen-2, Align-GVGD) all suggest that this variant is likely to be tolerated. This variant has not been reported in the literature in individuals affected with TTC37-related conditions. This variant is not present in population databases (gnomAD no frequency). This sequence change replaces serine, which is neutral and polar, with glycine, which is neutral and non-polar, at codon 610 of the TTC37 protein (p.Ser610Gly).

NM_014639.4(SKIC3):c.1828A>G (p.Ser610Gly)

Gene: SKIC3 (SKI3 subunit of superkiller complex; minus strand). Cytogenetic location: 5q15.
Variant type: single nucleotide variant.
Coding change: c.1828A>G on transcript NM_014639.4 (MANE Select); coding-DNA position 1828, A replaced by G.
Protein change: p.Ser610Gly; replaces serine 610 with glycine.
Molecular consequence: missense variant.
Genome position (GRCh38, 1-based): chr5:95,522,237, T>C on the plus strand (A>G on the coding strand, the complement: SKIC3 is on the minus strand). VCF-style: chr5-95522237-T-C. GRCh37 (hg19) VCF-style: chr5-94857941-T-C.
Other names: short protein forms S610G.
Identifiers: ClinVar variation 2134783 (VCV002134783.4), dbSNP rs1224063293, ClinGen allele CA360463390.